The following is an entry in ClinVar:

ClinVar aggregate classification (germline): Conflicting classifications of pathogenicity. Review status: criteria provided, conflicting classifications (1 of 4 stars). 5 submissions from 5 submitters: Uncertain significance (3); Likely benign (2). Last evaluated 2026-06-03.

Conditions:
Inborn genetic diseases. Identifiers: MedGen C0950123, MeSH D030342.
Developmental and epileptic encephalopathy, 14 (DEE14). Also called: Early infantile epileptic encephalopathy 14. Identifiers: Orphanet 293181, MedGen C3554195, MONDO:0013989, OMIM 614959.
Autosomal dominant nocturnal frontal lobe epilepsy 5. Also called: Epilepsy, nocturnal frontal lobe, 5; CILIARY DYSKINESIA, PRIMARY, 28, WITHOUT SITUS INVERSUS; CILIARY DYSKINESIA, PRIMARY, 28, WITH SITUS INVERSUS; KCNT1-Related Epilepsy. Identifiers: Orphanet 98784, MedGen C3554306, MONDO:0014002, OMIM 615005.

Allele frequency attached by ClinVar (database versions not stated): gnomAD exomes below 0.00001; ExAC 0.00001; TOPMed 0.00002; gnomAD 0.00003.
gnomAD v4.1: 6 of 1,605,948 alleles (0.00037%); highest among the groups gnomAD compares: Admixed American, 0.0033%; no homozygotes.

Submissions (5):

Women's Health and Genetics/Laboratory Corporation of America, LabCorp
Classification: Uncertain significance. Last evaluated: 2026-06-03. Review status: criteria provided, single submitter. Criteria: LabCorp Variant Classification Summary - May 2015. Collection method: clinical testing. Allele origin: germline.
Comment: Variant summary: KCNT1 c.3671C>T (p.Ser1224Phe) results in a non-conservative amino acid change in the encoded protein sequence. Algorithms developed to predict the effect of missense changes on protein structure and function are either unavailable or do not agree on the potential impact of this missense change. The variant allele was found at a frequency of 4.1e-06 in 241164 control chromosomes. The available data on variant occurrences in the general population are insufficient to allow any conclusion about variant significance. To our knowledge, no occurrence of c.3671C>T in individuals affected with KCNT1-related conditions and no experimental evidence demonstrating its impact on protein function have been reported. ClinVar contains an entry for this variant (Variation ID: 540576). Based on the evidence outlined above, the variant was classified as uncertain significance.

Labcorp Genetics (formerly Invitae), Labcorp
Classification: Uncertain significance for Autosomal dominant nocturnal frontal lobe epilepsy 5; Developmental and epileptic encephalopathy, 14. Last evaluated: 2026-01-26. Review status: criteria provided, single submitter. Criteria: Invitae Variant Classification Sherloc (09022015). Collection method: clinical testing. Allele origin: germline.
Comment: This sequence change replaces serine, which is neutral and polar, with phenylalanine, which is neutral and non-polar, at codon 1224 of the KCNT1 protein (p.Ser1224Phe). This variant is present in population databases (rs769083534, gnomAD 0.003%). This variant has not been reported in the literature in individuals affected with KCNT1-related conditions. ClinVar contains an entry for this variant (Variation ID: 540576). Invitae Evidence Modeling of protein sequence and biophysical properties (such as structural, functional, and spatial information, amino acid conservation, physicochemical variation, residue mobility, and thermodynamic stability) indicates that this missense variant is not expected to disrupt KCNT1 protein function with a negative predictive value of 95%. In summary, the available evidence is currently insufficient to determine the role of this variant in disease. Therefore, it has been classified as a Variant of Uncertain Significance.

CeGaT Center for Human Genetics Tuebingen
Classification: Likely benign. Last evaluated: 2024-12-01. Review status: criteria provided, single submitter. Criteria: CeGaT Center For Human Genetics Tuebingen Variant Classification Criteria Version 2. Collection method: clinical testing. Allele origin: germline. Affected: yes. Observed: 1 variant allele.
Comment: KCNT1: BP4

Blueprint Genetics
Classification: Likely benign. Last evaluated: 2024-11-21. Review status: criteria provided, single submitter. Criteria: ACMG Guidelines, 2015. Collection method: clinical testing. Allele origin: germline.

Ambry Genetics
Classification: Uncertain significance for Inborn genetic diseases. Last evaluated: 2021-11-23. Review status: criteria provided, single submitter. Criteria: Ambry Variant Classification Scheme 2023. Collection method: clinical testing. Allele origin: germline.

NM_020822.3(KCNT1):c.3671C>T (p.Ser1224Phe)

Gene: KCNT1 (potassium sodium-activated channel subfamily T member 1; plus strand). Cytogenetic location: 9q34.3.
Variant type: single nucleotide variant.
Coding change: c.3671C>T on transcript NM_020822.3 (MANE Select); coding-DNA position 3671, C replaced by T.
Protein change: p.Ser1224Phe; replaces serine 1224 with phenylalanine.
Molecular consequence: missense variant.
Genome position (GRCh38, 1-based): chr9:135,792,124, C>T. VCF-style: chr9-135792124-C-T. GRCh37 (hg19) VCF-style: chr9-138683970-C-T.
Other names: c.3599C>T, p.Ser1200Phe (NM_001272003.2); short protein forms S1224F, S1200F.
Identifiers: ClinVar variation 540576 (VCV000540576.28), dbSNP rs769083534, ClinGen allele CA5328016.
Genomic context (GRCh38, chr9:135,792,124, plus strand): 5'-TGGCTCACGTGGCCAGCAGCTCCCAGAGCCGGAAGAGCAGCTGCAGCCACAAGCTGTCGT[C>T]CTGCAACCCCGAGACTCGCGACGAGACACAGCTCTGAGCCAGCCCTGCACGGAGCTCAGG-3'
Protein context (NP_065873.2, residues 1214-1234): RKSSCSHKLS[Ser1224Phe]CNPETRDETQ